The following is an entry in ClinVar:

NM_001035.3(RYR2):c.10174G>T (p.Ala3392Ser)

Gene: RYR2 (ryanodine receptor 2; plus strand). Cytogenetic location: 1q43.
Variant type: single nucleotide variant.
Coding change: c.10174G>T on transcript NM_001035.3 (MANE Select); coding-DNA position 10174, G replaced by T.
Protein change: p.Ala3392Ser; replaces alanine 3392 with serine.
Molecular consequence: missense variant.
Genome position (GRCh38, 1-based): chr1:237,709,511, G>T. VCF-style: chr1-237709511-G-T. GRCh37 (hg19) VCF-style: chr1-237872811-G-T.
Other names: short protein forms A3392S.
Identifiers: ClinVar variation 950544 (VCV000950544.11), dbSNP rs1325112585, ClinGen allele CA345411642.

ClinVar aggregate classification (germline): Uncertain significance. Review status: criteria provided, multiple submitters, no conflicts (2 of 4 stars). 2 submissions from 2 submitters: Uncertain significance (2). Last evaluated 2025-01-06.

Conditions:
Catecholaminergic polymorphic ventricular tachycardia 1. Also called: VENTRICULAR TACHYCARDIA, STRESS-INDUCED POLYMORPHIC 1; RYR2-Related Catecholaminergic Polymorphic Ventricular Tachycardia; VENTRICULAR TACHYCARDIA, CATECHOLAMINERGIC POLYMORPHIC, 1, WITH OR WITHOUT ATRIAL DYSFUNCTION AND/OR DILATED CARDIOMYOPATHY. Identifiers: Orphanet 3286, MedGen C1631597, MONDO:0011484, OMIM 604772.
Cardiovascular phenotype. Identifiers: MedGen CN230736.

Submissions (2):

Labcorp Genetics (formerly Invitae), Labcorp
Classification: Uncertain significance for Catecholaminergic polymorphic ventricular tachycardia 1. Last evaluated: 2025-01-06. Review status: criteria provided, single submitter. Criteria: Invitae Variant Classification Sherloc (09022015). Collection method: clinical testing. Allele origin: germline.
Comment: This sequence change replaces alanine, which is neutral and non-polar, with serine, which is neutral and polar, at codon 3392 of the RYR2 protein (p.Ala3392Ser). This variant is not present in population databases (gnomAD no frequency). This variant has not been reported in the literature in individuals affected with RYR2-related conditions. ClinVar contains an entry for this variant (Variation ID: 950544). Invitae Evidence Modeling of protein sequence and biophysical properties (such as structural, functional, and spatial information, amino acid conservation, physicochemical variation, residue mobility, and thermodynamic stability) indicates that this missense variant is not expected to disrupt RYR2 protein function with a negative predictive value of 95%. In summary, the available evidence is currently insufficient to determine the role of this variant in disease. Therefore, it has been classified as a Variant of Uncertain Significance.

Ambry Genetics
Classification: Uncertain significance for Cardiovascular phenotype. Last evaluated: 2024-04-26. Review status: criteria provided, single submitter. Criteria: Ambry Variant Classification Scheme 2023. Collection method: clinical testing. Allele origin: germline.
Comment: The p.A3392S variant (also known as c.10174G>T), located in coding exon 70 of the RYR2 gene, results from a G to T substitution at nucleotide position 10174. The alanine at codon 3392 is replaced by serine, an amino acid with similar properties. This amino acid position is highly conserved in available vertebrate species. In addition, this alteration is predicted to be tolerated by in silico analysis. Based on the available evidence, the clinical significance of this variant remains unclear.